The following is an entry in ClinVar:

NM_203500.2(KEAP1):c.1139G>A (p.Arg380Lys)

Gene: KEAP1 (kelch like ECH associated protein 1; minus strand). Cytogenetic location: 19p13.2.
Variant type: single nucleotide variant.
Coding change: c.1139G>A on transcript NM_203500.2 (MANE Select); coding-DNA position 1139, G replaced by A.
Protein change: p.Arg380Lys; replaces arginine 380 with lysine.
Molecular consequence: missense variant.
Genome position (GRCh38, 1-based): chr19:10,491,763, C>T on the plus strand (G>A on the coding strand, the complement: KEAP1 is on the minus strand). VCF-style: chr19-10491763-C-T. GRCh37 (hg19) VCF-style: chr19-10602439-C-T.
Other names: c.1139G>A, p.Arg380Lys (NM_012289.4); short protein forms R380K.
Identifiers: ClinVar variation 4873691 (VCV004873691.2).
Genomic context (GRCh38, chr19:10,491,763, plus strand): 5'-GTCATGGGGTTGTAACAGTCCAGGGCGCTGGAGTCGGTGTTGCCGTCGGGCGAGTTGTTC[C>T]TGCCGCCCACGGCGTACAACAGCCCGCCCACCACGCAGCCGGCCAGGCCGCTCCGCGGCA-3'
Protein context (NP_987096.1, residues 370-390): VGGLLYAVGG[Arg380Lys]NNSPDGNTDS

ClinVar aggregate classification (germline): Uncertain significance (1 of 4 stars; one submission).

Submission:

CeGaT Center for Human Genetics Tuebingen
Classification: Uncertain significance. Last evaluated: 2026-06-01. Review status: criteria provided, single submitter. Criteria: CeGaT Center For Human Genetics Tuebingen Variant Classification Criteria Version 2. Collection method: clinical testing. Allele origin: germline. Affected: yes. Observed: 1 variant allele.
Comment: KEAP1: PM2, PP3